The following is an entry in ClinVar:

NM_001953.5(TYMP):c.1283_1284delinsAA (p.Gly428Glu)

Genes: SCO2 (synthesis of cytochrome C oxidase 2; minus strand), TYMP (thymidine phosphorylase; minus strand), LOC130067862 (ATAC-STARR-seq lymphoblastoid silent region 13986; plus strand). Cytogenetic location: 22q13.33.
Variant type: Indel.
Coding change: c.1283_1284delinsAA on transcript NM_001953.5 (MANE Select); coding-DNA positions 1283 to 1284, GT replaced by AA.
Protein change: p.Gly428Glu; replaces glycine 428 with glutamic acid.
Molecular consequence: missense variant. On other transcripts: 5 prime UTR variant (1), intron variant (1).
Genome position (GRCh38, 1-based): chr22:50,526,017-50,526,018, AC replaced by TT on the plus strand (GT replaced by AA on the coding strand, the reverse complement: TYMP is on the minus strand). VCF-style: chr22-50526017-AC-TT. GRCh37 (hg19) VCF-style: chr22-50964446-AC-TT.
Other names: c.-31_-30delinsAA (NM_001169110.1); c.-14+228_-14+229delinsAA (NM_001169109.2); c.1283_1284delinsAA, p.Gly428Glu (NM_001113755.3, NM_001113756.3, NM_001257988.1); c.1298_1299delinsAA, p.Gly433Glu (NM_001257989.1); short protein forms G428E, G433E.
Identifiers: ClinVar variation 3343506 (VCV003343506.1).

ClinVar aggregate classification (germline): Likely pathogenic (1 of 4 stars; one submission).

Submission:

GeneDx
Classification: Likely pathogenic. Last evaluated: 2024-03-26. Review status: criteria provided, single submitter. Criteria: GeneDx Variant Classification Process June 2021. Collection method: clinical testing. Allele origin: germline. Affected: yes.
Comment: Not observed at significant frequency in large population cohorts (gnomAD); In silico analysis supports a deleterious effect on protein structure/function; This variant is associated with the following publications: (PMID: 31885962)